The following is an entry in ClinVar:

NM_001972.4(ELANE):c.301G>A (p.Val101Met)

Gene: ELANE (elastase, neutrophil expressed; plus strand). Cytogenetic location: 19p13.3.
Variant type: single nucleotide variant.
Coding change: c.301G>A on transcript NM_001972.4 (MANE Select); coding-DNA position 301, G replaced by A.
Protein change: p.Val101Met; replaces valine 101 with methionine.
Molecular consequence: missense variant.
Genome position (GRCh38, 1-based): chr19:853,338, G>A. VCF-style: chr19-853338-G-A. GRCh37 (hg19) VCF-style: chr19-853338-G-A.
Other names: short protein forms V101M.
Identifiers: ClinVar variation 844491 (VCV000844491.14), dbSNP rs137854449, ClinGen allele CA303943293.

ClinVar aggregate classification (germline): Pathogenic. Review status: criteria provided, multiple submitters, no conflicts (2 of 4 stars). 3 submissions from 3 submitters: Pathogenic (2). 1 of the submissions does not count toward it. Last evaluated 2025-08-17.

Conditions:
Cyclical neutropenia. Also called: Cyclic hematopoiesis; Cyclic Neutropenia. Identifiers: Orphanet 2686, MedGen C0221023, MONDO:0008090, OMIM 162800, HP:0040289. Disease mechanism: loss of function.
Neutropenia, severe congenital, 1, autosomal dominant. Identifiers: MedGen C1859966, MONDO:0042490, OMIM 202700.
ELANE-related disorders.

Submissions (3):

Labcorp Genetics (formerly Invitae), Labcorp
Classification: Pathogenic for Neutropenia, severe congenital, 1, autosomal dominant; Cyclical neutropenia. Last evaluated: 2025-08-17. Review status: criteria provided, single submitter. Criteria: Invitae Variant Classification Sherloc (09022015). Collection method: clinical testing. Allele origin: germline.
Comment: This sequence change replaces valine, which is neutral and non-polar, with methionine, which is neutral and non-polar, at codon 101 of the ELANE protein (p.Val101Met). This variant is not present in population databases (gnomAD no frequency). This missense change has been observed in individual(s) with severe congenital neutropenia and cyclic neutropenia (PMID: 11001877, 18611981; internal data). In at least one individual the variant was observed to be de novo. This variant is also known as V72M. ClinVar contains an entry for this variant (Variation ID: 844491). Invitae Evidence Modeling of protein sequence and biophysical properties (such as structural, functional, and spatial information, amino acid conservation, physicochemical variation, residue mobility, and thermodynamic stability) has been performed for this missense variant. However, the output from this modeling did not meet the statistical confidence thresholds required to predict the impact of this variant on ELANE protein function. For these reasons, this variant has been classified as Pathogenic.

Blueprint Genetics
Classification: Pathogenic for ELANE-related disorders. Last evaluated: 2018-10-11. Review status: criteria provided, single submitter. Criteria: ACMG Guidelines, 2015. Collection method: clinical testing. Allele origin: germline. Affected: yes. Observed: 1 variant allele.

Laboratory of Immunopathology and Genetics, Medical Laboratory of Pediatric Oncology and Hematology, Central Clinical Hospital of the Medical University of Lodz
Classification: Pathogenic for Neutropenia, severe congenital, 1, autosomal dominant. Last evaluated: 2024-12-01. Review status: no assertion criteria provided. Collection method: clinical testing. Allele origin: germline. Affected: yes. Observed: 1 variant allele. Not counted in ClinVar's aggregate classification.

Literature cited by the submitters: PubMed 11001877 (cited by Labcorp Genetics (formerly Invitae), Labcorp and Laboratory of Immunopathology and Genetics, Medical Laboratory of Pediatric Oncology and Hematology, Central Clinical Hospital of the Medical University of Lodz); PubMed 18611981 (cited by Labcorp Genetics (formerly Invitae), Labcorp).